The following is an entry in ClinVar:

NM_005477.3(HCN4):c.3608T>C (p.Leu1203Pro)

Gene: HCN4 (hyperpolarization activated cyclic nucleotide gated potassium channel 4; minus strand). Cytogenetic location: 15q24.1.
Variant type: single nucleotide variant.
Coding change: c.3608T>C on transcript NM_005477.3 (MANE Select); coding-DNA position 3608, T replaced by C.
Protein change: p.Leu1203Pro; replaces leucine 1203 with proline.
Molecular consequence: missense variant.
Genome position (GRCh38, 1-based): chr15:73,322,485, A>G on the plus strand (T>C on the coding strand, the complement: HCN4 is on the minus strand). VCF-style: chr15-73322485-A-G. GRCh37 (hg19) VCF-style: chr15-73614826-A-G.
Other names: c.3608T>C (NM_005477.2); short protein forms L1203P.
Identifiers: ClinVar variation 3010072 (VCV003010072.4), dbSNP rs2042865358, ClinGen allele CA393084600.

ClinVar aggregate classification (germline): Uncertain significance. Review status: criteria provided, multiple submitters, no conflicts (2 of 4 stars). 2 submissions from 2 submitters: Uncertain significance (2). Last evaluated 2024-05-12.

Conditions:
Brugada syndrome 8 (BRGDA8). Identifiers: Orphanet 130, MedGen C2751083, MONDO:0013148, OMIM 613123.
Cardiovascular phenotype. Identifiers: MedGen CN230736.

Allele frequency attached by ClinVar (database versions not stated): gnomAD exomes below 0.00001.
gnomAD v4.1: 1 of 1,590,682 alleles (0.000063%); highest among the groups gnomAD compares: Non-Finnish European, 0.000086%; no homozygotes.

Submissions (2):

Ambry Genetics
Classification: Uncertain significance for Cardiovascular phenotype. Last evaluated: 2024-05-12. Review status: criteria provided, single submitter. Criteria: Ambry Variant Classification Scheme 2023. Collection method: clinical testing. Allele origin: germline.
Comment: The p.L1203P variant (also known as c.3608T>C), located in coding exon 8 of the HCN4 gene, results from a T to C substitution at nucleotide position 3608. The leucine at codon 1203 is replaced by proline, an amino acid with similar properties. This amino acid position is conserved. In addition, the in silico prediction for this alteration is inconclusive. Based on the available evidence, the clinical significance of this variant remains unclear.

Labcorp Genetics (formerly Invitae), Labcorp
Classification: Uncertain significance for Brugada syndrome 8. Last evaluated: 2023-11-01. Review status: criteria provided, single submitter. Criteria: Invitae Variant Classification Sherloc (09022015). Collection method: clinical testing. Allele origin: germline.
Comment: This sequence change replaces leucine, which is neutral and non-polar, with proline, which is neutral and non-polar, at codon 1203 of the HCN4 protein (p.Leu1203Pro). This variant is not present in population databases (gnomAD no frequency). This variant has not been reported in the literature in individuals affected with HCN4-related conditions. Advanced modeling of protein sequence and biophysical properties (such as structural, functional, and spatial information, amino acid conservation, physicochemical variation, residue mobility, and thermodynamic stability) performed at Invitae indicates that this missense variant is not expected to disrupt HCN4 protein function with a negative predictive value of 95%. In summary, the available evidence is currently insufficient to determine the role of this variant in disease. Therefore, it has been classified as a Variant of Uncertain Significance.